The following is an entry in ClinVar:

ClinVar aggregate classification (germline): Uncertain significance. Review status: criteria provided, multiple submitters, no conflicts (2 of 4 stars). 2 submissions from 2 submitters: Uncertain significance (2). Last evaluated 2026-03-17.

Conditions:
Malignant hyperthermia, susceptibility to, 1 (MHS1). Also called: RYR1-Related Malignant Hyperthermia Susceptibility; Anesthesia related hyperthermia; Malignant hyperpyrexia; Fulminating hyperpyrexia; Pharmacogenic myopathy; Malignant hyperthermia suceptibility 1. Identifiers: Orphanet 423, MedGen C2930980, MONDO:0007783, OMIM 145600.

Submissions (2):

GeneDx
Classification: Uncertain significance. Last evaluated: 2026-03-17. Review status: criteria provided, single submitter. Criteria: GeneDx Variant Classification Process June 2021. Collection method: clinical testing. Allele origin: germline.
Comment: Not observed at significant frequency in large population cohorts (gnomAD); In silico analysis supports that this missense variant has a deleterious effect on protein structure/function; Has not been previously published as pathogenic or benign to our knowledge

Color Diagnostics, LLC DBA Color Health
Classification: Uncertain significance for Malignant hyperthermia, susceptibility to, 1. Last evaluated: 2025-10-03. Review status: criteria provided, single submitter. Criteria: ACMG Guidelines, 2015. Collection method: clinical testing. Allele origin: germline.
Comment: This missense variant replaces proline with serine at codon 1555 of the RYR1 protein. Computational prediction suggests that this variant may not impact protein structure and function. To our knowledge, functional studies have not been reported for this variant. This variant has not been reported in individuals affected with RYR1-related disorders in the literature. This variant has been identified in 1/1461868 chromosomes in the general population by the Genome Aggregation Database (gnomAD). The available evidence is insufficient to determine the role of this variant in disease conclusively. Therefore, this variant is classified as a Variant of Uncertain Significance.

NM_000540.3(RYR1):c.4663C>T (p.Pro1555Ser)

Gene: RYR1 (ryanodine receptor 1; plus strand). Cytogenetic location: 19q13.2.
Variant type: single nucleotide variant.
Coding change: c.4663C>T on transcript NM_000540.3 (MANE Select); coding-DNA position 4663, C replaced by T.
Protein change: p.Pro1555Ser; replaces proline 1555 with serine.
Molecular consequence: missense variant.
Genome position (GRCh38, 1-based): chr19:38,483,069, C>T. VCF-style: chr19-38483069-C-T. GRCh37 (hg19) VCF-style: chr19-38973709-C-T.
Other names: c.4663C>T, p.Pro1555Ser (NM_001042723.2); short protein forms P1555S.
Identifiers: ClinVar variation 4758300 (VCV004758300.2).